The following is an entry in ClinVar:

NM_003900.5(SQSTM1):c.173T>C (p.Leu58Pro)

Genes: SQSTM1 (sequestosome 1; plus strand), LOC129995449 (ATAC-STARR-seq lymphoblastoid silent region 16749; plus strand). Cytogenetic location: 5q35.3.
Variant type: single nucleotide variant.
Coding change: c.173T>C on transcript NM_003900.5 (MANE Select); coding-DNA position 173, T replaced by C.
Protein change: p.Leu58Pro; replaces leucine 58 with proline.
Molecular consequence: missense variant. On other transcripts: intron variant (2).
Genome position (GRCh38, 1-based): chr5:179,821,109, T>C. VCF-style: chr5-179821109-T-C. GRCh37 (hg19) VCF-style: chr5-179248109-T-C.
Other names: c.-47-1849T>C (NM_001142298.2, NM_001142299.2); short protein forms L58P.
Identifiers: ClinVar variation 3763221 (VCV003763221.2).

ClinVar aggregate classification (germline): Uncertain significance (1 of 4 stars; one submission).

Conditions:
Frontotemporal dementia and/or amyotrophic lateral sclerosis 1 (FTDALS1). Also called: C9orf72 Frontotemporal Dementia and/or Amyotrophic Lateral Sclerosis; Frontotemporal dementia with motor neuron disease 1. Identifiers: Orphanet 275872, MedGen C5779877, MONDO:0007105, OMIM 105550.
Paget disease of bone 2, early-onset (PDB2). Also called: Paget disease of bone 2. Identifiers: MedGen C4085251, MONDO:0011183, OMIM 602080.

gnomAD v4.1: 1 of 1,404,956 alleles (0.000071%); highest among the groups gnomAD compares: Non-Finnish European, 0.000092%; no homozygotes.

Submission:

Labcorp Genetics (formerly Invitae), Labcorp
Classification: Uncertain significance for Paget disease of bone 2, early-onset; Frontotemporal dementia and/or amyotrophic lateral sclerosis 1. Last evaluated: 2024-05-14. Review status: criteria provided, single submitter. Criteria: Invitae Variant Classification Sherloc (09022015). Collection method: clinical testing. Allele origin: germline.
Comment: This sequence change replaces leucine, which is neutral and non-polar, with proline, which is neutral and non-polar, at codon 58 of the SQSTM1 protein (p.Leu58Pro). This variant is not present in population databases (gnomAD no frequency). This variant has not been reported in the literature in individuals affected with SQSTM1-related conditions. Advanced modeling of protein sequence and biophysical properties (such as structural, functional, and spatial information, amino acid conservation, physicochemical variation, residue mobility, and thermodynamic stability) performed at Invitae indicates that this missense variant is expected to disrupt SQSTM1 protein function with a positive predictive value of 80%. In summary, the available evidence is currently insufficient to determine the role of this variant in disease. Therefore, it has been classified as a Variant of Uncertain Significance.